The following is an entry in ClinVar:

ClinVar aggregate classification (germline): Pathogenic. Review status: criteria provided, multiple submitters, no conflicts (2 of 4 stars). 2 submissions from 2 submitters: Pathogenic (2). Last evaluated 2023-12-12.

Submissions (2):

Revvity Omics, Revvity
Classification: Pathogenic. Last evaluated: 2023-12-12. Review status: criteria provided, single submitter. Criteria: ACMG Guidelines, 2015. Collection method: clinical testing. Allele origin: germline.

GeneDx
Classification: Pathogenic. Last evaluated: 2023-09-26. Review status: criteria provided, single submitter. Criteria: GeneDx Variant Classification Process June 2021. Collection method: clinical testing. Allele origin: germline. Affected: yes.
Comment: Reported with a second PKLR variant, phase unknown, in patients with pyruvate kinase deficiency in published literature (Bianchi et al., 2020); Frameshift variant predicted to result in protein truncation or nonsense mediated decay in a gene for which loss of function is a known mechanism of disease; Not observed at significant frequency in large population cohorts (gnomAD); This variant is associated with the following publications: (PMID: 32043619)

NM_000298.6(PKLR):c.1542dup (p.Leu516fs)

Gene: PKLR (pyruvate kinase L/R; minus strand). Cytogenetic location: 1q22.
Variant type: Duplication.
Coding change: c.1542dup on transcript NM_000298.6 (MANE Select); coding-DNA position 1542, one base duplicated (C; older notation c.1542dupC).
Protein change: p.Leu516fs; shifts the reading frame from leucine 516.
Molecular consequence: frameshift variant.
Genome position (GRCh38, 1-based): chr1:155,291,832, G duplicated on the plus strand (C on the coding strand, the reverse complement: PKLR is on the minus strand); the first of 4 consecutive G bases (chr1:155,291,832-155,291,835); duplicating any one gives the same sequence. VCF-style (leftmost placement, unchanged base first): chr1-155291831-A-AG. GRCh37 (hg19) VCF-style: chr1-155261622-A-AG.
Other names: c.1449dup, p.Leu485fs (NM_181871.4); c.1542dup (NM_000298.5); short protein forms L485fs, L516fs.
Identifiers: ClinVar variation 2437882 (VCV002437882.4), dbSNP rs2525269876, ClinGen allele CA2580061122.